The following is an entry in ClinVar:

Conditions:
Breast-ovarian cancer, familial, susceptibility to, 1 (BROVCA1). Also called: BRCA1 Hereditary Breast and Ovarian Cancer; OVARIAN CANCER, SUSCEPTIBILITY TO. Identifiers: Orphanet 145, MedGen C2676676, MONDO:0011450, OMIM 604370. Disease mechanism: loss of function.

Submission:

Brotman Baty Institute, University of Washington
No classification provided (evidence only). Condition: Breast-ovarian cancer, familial 1. Review status: no classification provided. Collection method: in vitro. Allele origin: not applicable. Functional consequence: functionally_normal.
ClinVar note: "not provided" was previously submitted as the classification for the variant. However, the classification appeared to be based only on an observation of functional data so it was converted to no classification on 2025-07-30.

NM_007294.4(BRCA1):c.4900A>C (p.Arg1634=)

Gene: BRCA1 (BRCA1 DNA repair associated; minus strand). Cytogenetic location: 17q21.31.
Variant type: single nucleotide variant.
Coding change: c.4900A>C on transcript NM_007294.4 (MANE Select); coding-DNA position 4900, A replaced by C.
Protein change: p.Arg1634=; no amino-acid change (arginine 1634 retained).
Molecular consequence: synonymous variant. On other transcripts: intron variant (1).
Genome position (GRCh38, 1-based): chr17:43,071,014, T>G on the plus strand (A>C on the coding strand, the complement: BRCA1 is on the minus strand). VCF-style: chr17-43071014-T-G. GRCh37 (hg19) VCF-style: chr17-41223031-T-G.
Other names: c.4687A>C, p.Arg1563= (NM_001407571.1, NM_001407894.1, NM_001407895.1 and 12 more transcripts); c.4966A>C, p.Arg1656= (NM_001407581.1, NM_001407582.1); c.4963A>C, p.Arg1655= (NM_001407583.1, NM_001407585.1, NM_001407587.1 and 1 more transcripts); c.4960A>C, p.Arg1654= (NM_001407590.1, NM_001407591.1); c.4900A>C, p.Arg1634= (NM_001407593.1, NM_001407594.1, NM_001407596.1 and 8 more transcripts); c.4897A>C, p.Arg1633= (NM_001407610.1, NM_001407611.1, NM_001407612.1 and 17 more transcripts); c.4894A>C, p.Arg1632= (NM_001407627.1, NM_001407628.1, NM_001407629.1 and 14 more transcripts); c.4891A>C, p.Arg1631= (NM_001407644.1, NM_001407645.1); and 71 more.
Identifiers: ClinVar variation 868383 (VCV000868383.3), dbSNP rs1597830733, ClinGen allele CA500231709.